The following is an entry in ClinVar:

NM_014264.5(PLK4):c.2659C>T (p.Leu887Phe)

Gene: PLK4 (polo like kinase 4; plus strand). Cytogenetic location: 4q28.1.
Variant type: single nucleotide variant.
Coding change: c.2659C>T on transcript NM_014264.5 (MANE Select); coding-DNA position 2659, C replaced by T.
Protein change: p.Leu887Phe; replaces leucine 887 with phenylalanine.
Molecular consequence: missense variant.
Genome position (GRCh38, 1-based): chr4:127,895,049, C>T. VCF-style: chr4-127895049-C-T. GRCh37 (hg19) VCF-style: chr4-128816204-C-T.
Other names: c.2563C>T, p.Leu855Phe (NM_001190799.2); c.2536C>T, p.Leu846Phe (NM_001190801.2); short protein forms L846F, L855F, L887F.
Identifiers: ClinVar variation 964385 (VCV000964385.13), dbSNP rs367716417, ClinGen allele CA3077118.
Genomic context (GRCh38, chr4:127,895,049, plus strand): 5'-GCTTCTGGAACAGACATCTCTTCTAATAGTCTAAAAGATTGTCTTCCTAAATCAGCACAA[C>T]TTTTGAAATCTGTTTTTGTGAAAAATGTTGGTTGGGCTACACAGGTGAGAAGTTTCTAGT-3'
Protein context (NP_055079.3, residues 877-897): LKDCLPKSAQ[Leu887Phe]LKSVFVKNVG

ClinVar aggregate classification (germline): Conflicting classifications of pathogenicity. Review status: criteria provided, conflicting classifications (1 of 4 stars). 4 submissions from 4 submitters: Uncertain significance (3); Likely benign (1). Last evaluated 2025-03-18.

Conditions:
Inborn genetic diseases. Identifiers: MedGen C0950123, MeSH D030342.

Allele frequency attached by ClinVar (database versions not stated): gnomAD exomes 0.00009; ExAC 0.00010; ESP Exome Variant Server 0.00015; gnomAD 0.00032 and 0.00035; TOPMed 0.00035.
gnomAD v4.1: 87 of 1,612,428 alleles (0.0054%); highest among the groups gnomAD compares: African/African-American, 0.095%; no homozygotes.

Submissions (4):

Ambry Genetics
Classification: Uncertain significance for Inborn genetic diseases. Last evaluated: 2025-03-18. Review status: criteria provided, single submitter. Criteria: Ambry Variant Classification Scheme 2023. Collection method: clinical testing. Allele origin: germline.

Labcorp Genetics (formerly Invitae), Labcorp
Classification: Uncertain significance. Last evaluated: 2024-11-11. Review status: criteria provided, single submitter. Criteria: Invitae Variant Classification Sherloc (09022015). Collection method: clinical testing. Allele origin: germline.
Comment: This sequence change replaces leucine, which is neutral and non-polar, with phenylalanine, which is neutral and non-polar, at codon 887 of the PLK4 protein (p.Leu887Phe). This variant is present in population databases (rs367716417, gnomAD 0.1%). This variant has not been reported in the literature in individuals affected with PLK4-related conditions. ClinVar contains an entry for this variant (Variation ID: 964385). An algorithm developed to predict the effect of missense changes on protein structure and function (PolyPhen-2) suggests that this variant is likely to be disruptive. In summary, the available evidence is currently insufficient to determine the role of this variant in disease. Therefore, it has been classified as a Variant of Uncertain Significance.

Blueprint Genetics
Classification: Likely benign. Last evaluated: 2022-12-01. Review status: criteria provided, single submitter. Criteria: ACMG Guidelines, 2015. Collection method: clinical testing. Allele origin: germline.

GeneDx
Classification: Uncertain significance. Last evaluated: 2019-06-06. Review status: criteria provided, single submitter. Criteria: GeneDx Variant Classification Process June 2021. Collection method: clinical testing. Allele origin: germline. Affected: yes.
Comment: In silico analysis, which includes protein predictors and evolutionary conservation, supports a deleterious effect; Has not been previously published as pathogenic or benign to our knowledge